The following is an entry in ClinVar:

ClinVar aggregate classification (germline): Likely pathogenic (1 of 4 stars; one submission).

Conditions:
Hereditary spastic paraplegia 3A (SPG3A). Also called: SPASTIC PARAPLEGIA 3, AUTOSOMAL DOMINANT; FAMILIAL SPASTIC PARAPLEGIA, AUTOSOMAL DOMINANT, 1; SPG3; STRUMPELL DISEASE; Spastic Paraplegia 3A; Spastic paraplegia 3A, autosomal dominant. Identifiers: Orphanet 100984, MedGen C2931355, MONDO:0008437, OMIM 182600.

Submission:

3billion
Classification: Likely pathogenic for Hereditary spastic paraplegia 3A. Last evaluated: 2023-02-23. Review status: criteria provided, single submitter. Criteria: ACMG Guidelines, 2015. Collection method: clinical testing. Allele origin: unknown. Affected: yes.
Comment: The variant is not observed in the gnomAD v2.1.1 dataset. Missense changes are a common disease-causing mechanism. In silico tool predictions suggest damaging effect of the variant on gene or gene product (REVEL: 0.74; 3Cnet: 0.86). Different nucleotide change resulting in same amino acid change has been previously reported to be associated with ATL1 related disorder (PMID: 31594988). Different missense changes at the same codon (p.Met347Leu, p.Met347Thr) have been reported to be associated with ATL1 related disorder (PMID: 21321493, 28736820). Therefore, this variant is classified as Likely pathogenic according to the recommendation of ACMG/AMP guideline.

Literature cited by the submitters: PubMed 28736820; PubMed 21321493; PubMed 31594988.

NM_015915.5(ATL1):c.1041G>T (p.Met347Ile)

Gene: ATL1 (atlastin GTPase 1; plus strand). Cytogenetic location: 14q22.1.
Variant type: single nucleotide variant.
Coding change: c.1041G>T on transcript NM_015915.5 (MANE Select); coding-DNA position 1041, G replaced by T.
Protein change: p.Met347Ile; replaces methionine 347 with isoleucine.
Molecular consequence: missense variant.
Genome position (GRCh38, 1-based): chr14:50,621,893, G>T. VCF-style: chr14-50621893-G-T. GRCh37 (hg19) VCF-style: chr14-51088611-G-T.
Other names: c.1041G>T, p.Met347Ile (NM_001127713.1, NM_181598.4); short protein forms M347I.
Identifiers: ClinVar variation 2444332 (VCV002444332.1), dbSNP rs1555365512, ClinGen allele CA389673665.